The following is an entry in ClinVar:

NM_015506.3(MMACHC):c.385T>C (p.Tyr129His)

Gene: MMACHC (metabolism of cobalamin associated C; plus strand). Cytogenetic location: 1p34.1.
Variant type: single nucleotide variant.
Coding change: c.385T>C on transcript NM_015506.3 (MANE Select); coding-DNA position 385, T replaced by C.
Protein change: p.Tyr129His; replaces tyrosine 129 with histidine.
Molecular consequence: missense variant.
Genome position (GRCh38, 1-based): chr1:45,508,320, T>C. VCF-style: chr1-45508320-T-C. GRCh37 (hg19) VCF-style: chr1-45973992-T-C.
Other names: c.214T>C, p.Tyr72His (NM_001330540.2); short protein forms Y129H, Y72H.
Identifiers: ClinVar variation 2085013 (VCV002085013.1), dbSNP rs755220262, ClinGen allele CA827719.

ClinVar aggregate classification (germline): Uncertain significance (1 of 4 stars; one submission).

Conditions:
Cobalamin C disease. Also called: Methylmalonic aciduria with homocystinuria cblC type; Cobalamin-C methylmalonic acidemia and homocystinuria; Methylmalonic acidemia and homocystinuria cblC type; Methylmalonic aciduria and homocystinuria, Vitamin B12-responsive; Vitamin B12 metabolic defect with combined deficiency of methylmalonyl-CoA mutase and homocysteine:methyltetrahydrofolate methyltransferase; methylmalonic aciduria and homocystinuria type cblC. Identifiers: Orphanet 26, Orphanet 79282, MedGen C1848561, MONDO:0010184, OMIM 277400.

Allele frequency attached by ClinVar (database versions not stated): gnomAD exomes below 0.00001; ExAC 0.00001; gnomAD 0.00001; TOPMed 0.00002.
gnomAD v4.1: 6 of 1,614,080 alleles (0.00037%); highest among the groups gnomAD compares: Admixed American, 0.0083%; no homozygotes.

Submission:

Labcorp Genetics (formerly Invitae), Labcorp
Classification: Uncertain significance for Cobalamin C disease. Last evaluated: 2022-07-06. Review status: criteria provided, single submitter. Criteria: Invitae Variant Classification Sherloc (09022015). Collection method: clinical testing. Allele origin: germline.
Comment: This sequence change replaces tyrosine, which is neutral and polar, with histidine, which is basic and polar, at codon 129 of the MMACHC protein (p.Tyr129His). This variant is present in population databases (rs755220262, gnomAD 0.01%). This variant has not been reported in the literature in individuals affected with MMACHC-related conditions. Advanced modeling of protein sequence and biophysical properties (such as structural, functional, and spatial information, amino acid conservation, physicochemical variation, residue mobility, and thermodynamic stability) performed at Invitae indicates that this missense variant is expected to disrupt MMACHC protein function. In summary, the available evidence is currently insufficient to determine the role of this variant in disease. Therefore, it has been classified as a Variant of Uncertain Significance.